The following is an entry in ClinVar:

ClinVar aggregate classification (germline): Likely pathogenic (1 of 4 stars; one submission).

Conditions:
Metachromatic leukodystrophy (MLD). Also called: Cerebral sclerosis diffuse metachromatic form; Arylsulfatase A Deficiency; METACHROMATIC LEUKOENCEPHALOPATHY; SULFATIDE LIPIDOSIS; ARSA DEFICIENCY; CEREBROSIDE SULFATASE DEFICIENCY. Identifiers: Orphanet 512, MedGen C0023522, MONDO:0018868, OMIM 250100.

Submission:

Labcorp Genetics (formerly Invitae), Labcorp
Classification: Likely pathogenic for Metachromatic leukodystrophy. Last evaluated: 2023-03-10. Review status: criteria provided, single submitter. Criteria: Invitae Variant Classification Sherloc (09022015). Collection method: clinical testing. Allele origin: germline.
Comment: ClinVar contains an entry for this variant (Variation ID: 1946728). This sequence change replaces glutamic acid, which is acidic and polar, with glycine, which is neutral and non-polar, at codon 309 of the ARSA protein (p.Glu309Gly). This variant is not present in population databases (gnomAD no frequency). This variant has not been reported in the literature in individuals affected with ARSA-related conditions. Advanced modeling of protein sequence and biophysical properties (such as structural, functional, and spatial information, amino acid conservation, physicochemical variation, residue mobility, and thermodynamic stability) performed at Invitae indicates that this missense variant is expected to disrupt ARSA protein function. In summary, the currently available evidence indicates that the variant is pathogenic, but additional data are needed to prove that conclusively. Therefore, this variant has been classified as Likely Pathogenic. This variant disrupts the p.Glu309 amino acid residue in ARSA. Other variant(s) that disrupt this residue have been determined to be pathogenic (PMID: 18768108, 19606494, 26462614, 30057904). This suggests that this residue is clinically significant, and that variants that disrupt this residue are likely to be disease-causing.

Literature cited by the submitters: PubMed 18768108; PubMed 19606494; PubMed 26462614; PubMed 30057904.

NM_000487.6(ARSA):c.926A>G (p.Glu309Gly)

Gene: ARSA (arylsulfatase A; minus strand). Cytogenetic location: 22q13.33.
Variant type: single nucleotide variant.
Coding change: c.926A>G on transcript NM_000487.6 (MANE Select); coding-DNA position 926, A replaced by G.
Protein change: p.Glu309Gly; replaces glutamic acid 309 with glycine.
Molecular consequence: missense variant.
Genome position (GRCh38, 1-based): chr22:50,626,207, T>C on the plus strand (A>G on the coding strand, the complement: ARSA is on the minus strand). VCF-style: chr22-50626207-T-C. GRCh37 (hg19) VCF-style: chr22-51064635-T-C.
Other names: c.926A>G, p.Glu309Gly (NM_001085425.3, NM_001085426.3, NM_001085427.3); c.668A>G, p.Glu223Gly (NM_001085428.3, NM_001362782.2); short protein forms E309G, E223G.
Identifiers: ClinVar variation 1946728 (VCV001946728.5), dbSNP rs1085308016, ClinGen allele CA412174585.